The following is an entry in ClinVar:

NM_182914.3(SYNE2):c.11704A>C (p.Met3902Leu)

Gene: SYNE2 (spectrin repeat containing nuclear envelope protein 2; plus strand). Cytogenetic location: 14q23.2.
Variant type: single nucleotide variant.
Coding change: c.11704A>C on transcript NM_182914.3 (MANE Select); coding-DNA position 11704, A replaced by C.
Protein change: p.Met3902Leu; replaces methionine 3902 with leucine.
Molecular consequence: missense variant.
Genome position (GRCh38, 1-based): chr14:64,089,607, A>C. VCF-style: chr14-64089607-A-C. GRCh37 (hg19) VCF-style: chr14-64556325-A-C.
Other names: c.11704A>C, p.Met3902Leu (NM_015180.6); short protein forms M3902L.
Identifiers: ClinVar variation 2143116 (VCV002143116.4), dbSNP rs909725905, ClinGen allele CA261814626.

ClinVar aggregate classification (germline): Uncertain significance (1 of 4 stars; one submission).

Conditions:
Emery-Dreifuss muscular dystrophy 5, autosomal dominant (EDMD5). Also called: EMERY-DREIFUSS MUSCULAR DYSTROPHY 5. Identifiers: Orphanet 261, MedGen C2751805, MONDO:0013072, OMIM 612999.

gnomAD v4.1: 6 of 1,610,554 alleles (0.00037%); highest among the groups gnomAD compares: Admixed American, 0.0033%; no homozygotes.

Submission:

Labcorp Genetics (formerly Invitae), Labcorp
Classification: Uncertain significance for Emery-Dreifuss muscular dystrophy 5, autosomal dominant. Last evaluated: 2022-07-05. Review status: criteria provided, single submitter. Criteria: Invitae Variant Classification Sherloc (09022015). Collection method: clinical testing. Allele origin: germline.
Comment: This sequence change replaces methionine, which is neutral and non-polar, with leucine, which is neutral and non-polar, at codon 3902 of the SYNE2 protein (p.Met3902Leu). This variant is present in population databases (no rsID available, gnomAD 0.003%). This variant has not been reported in the literature in individuals affected with SYNE2-related conditions. Algorithms developed to predict the effect of missense changes on protein structure and function (SIFT, PolyPhen-2, Align-GVGD) all suggest that this variant is likely to be tolerated. In summary, the available evidence is currently insufficient to determine the role of this variant in disease. Therefore, it has been classified as a Variant of Uncertain Significance.